The following is an entry in ClinVar:

NM_006267.5(RANBP2):c.5416G>A (p.Ala1806Thr)

Gene: RANBP2 (RAN binding protein 2; plus strand). Cytogenetic location: 2q13.
Variant type: single nucleotide variant.
Coding change: c.5416G>A on transcript NM_006267.5 (MANE Select); coding-DNA position 5416, G replaced by A.
Protein change: p.Ala1806Thr; replaces alanine 1806 with threonine.
Molecular consequence: missense variant.
Genome position (GRCh38, 1-based): chr2:108,765,955, G>A. VCF-style: chr2-108765955-G-A. GRCh37 (hg19) VCF-style: chr2-109382411-G-A.
Other names: short protein forms A1806T.
Identifiers: ClinVar variation 963770 (VCV000963770.10), dbSNP rs1254763456, ClinGen allele CA348072747.

ClinVar aggregate classification (germline): Uncertain significance (1 of 4 stars; one submission).

Conditions:
Familial acute necrotizing encephalopathy (IIAE3). Also called: ENCEPHALOPATHY, ACUTE, INFECTION-INDUCED, SUSCEPTIBILITY TO, 3; Susceptibility to Acute Necrotizing Encephalopathy 1. Identifiers: Orphanet 88619, MedGen C2675556, MONDO:0011953, OMIM 608033.

Allele frequency attached by ClinVar (database versions not stated): gnomAD exomes below 0.00001 and 0.00001; gnomAD 0.00001; TOPMed 0.00001.
gnomAD v4.1: 10 of 1,614,026 alleles (0.00062%); highest among the groups gnomAD compares: Non-Finnish European, 0.00085%; no homozygotes.

Submission:

Labcorp Genetics (formerly Invitae), Labcorp
Classification: Uncertain significance for Familial acute necrotizing encephalopathy. Last evaluated: 2019-09-24. Review status: criteria provided, single submitter. Criteria: Invitae Variant Classification Sherloc (09022015). Collection method: clinical testing. Allele origin: germline.
Comment: This sequence change replaces alanine with threonine at codon 1806 of the RANBP2 protein (p.Ala1806Thr). The alanine residue is highly conserved and there is a small physicochemical difference between alanine and threonine. This variant is not present in population databases (ExAC no frequency). This variant has not been reported in the literature in individuals with RANBP2-related conditions. Algorithms developed to predict the effect of missense changes on protein structure and function output the following: SIFT: "Tolerated"; PolyPhen-2: "Benign"; Align-GVGD: "Class C0". The threonine amino acid residue is found in multiple mammalian species, suggesting that this missense change does not adversely affect protein function. These predictions have not been confirmed by published functional studies and their clinical significance is uncertain. In summary, the available evidence is currently insufficient to determine the role of this variant in disease. Therefore, it has been classified as a Variant of Uncertain Significance.